The following is an entry in ClinVar:

ClinVar aggregate classification (germline): Uncertain significance. Review status: criteria provided, multiple submitters, no conflicts (2 of 4 stars). 2 submissions from 2 submitters: Uncertain significance (2). Last evaluated 2025-01-13.

Conditions:
Hereditary cancer-predisposing syndrome. Also called: Tumor predisposition; Neoplastic Syndromes, Hereditary; Hereditary Cancer Syndrome; Hereditary neoplastic syndrome. Identifiers: Orphanet 140162, MedGen C0027672, MeSH D009386, MONDO:0015356.
Neuroblastoma, susceptibility to, 3. Also called: ALK-Related Neuroblastic Tumor Susceptibility. Identifiers: Orphanet 635, MedGen C2751681, MONDO:0013083, OMIM 613014.

Allele frequency attached by ClinVar (database versions not stated): gnomAD exomes 0.00001.
gnomAD v4.1: 4 of 1,614,142 alleles (0.00025%); highest among the groups gnomAD compares: Non-Finnish European, 0.00034%; no homozygotes.

Submissions (2):

Ambry Genetics
Classification: Uncertain significance for Hereditary cancer-predisposing syndrome. Last evaluated: 2025-01-13. Review status: criteria provided, single submitter. Criteria: Ambry Variant Classification Scheme 2023. Collection method: clinical testing. Allele origin: germline.
Comment: The p.R353G variant (also known as c.1057A>G), located in coding exon 4 of the ALK gene, results from an A to G substitution at nucleotide position 1057. The arginine at codon 353 is replaced by glycine, an amino acid with dissimilar properties. This amino acid position is conserved. In addition, this alteration is predicted to be tolerated by in silico analysis. Since supporting evidence is limited at this time, the clinical significance of this alteration remains unclear.

Labcorp Genetics (formerly Invitae), Labcorp
Classification: Uncertain significance for Neuroblastoma, susceptibility to, 3. Last evaluated: 2023-10-18. Review status: criteria provided, single submitter. Criteria: Invitae Variant Classification Sherloc (09022015). Collection method: clinical testing. Allele origin: germline.
Comment: This sequence change replaces arginine, which is basic and polar, with glycine, which is neutral and non-polar, at codon 353 of the ALK protein (p.Arg353Gly). This variant is not present in population databases (gnomAD no frequency). This variant has not been reported in the literature in individuals affected with ALK-related conditions. ClinVar contains an entry for this variant (Variation ID: 1778879). An algorithm developed to predict the effect of missense changes on protein structure and function (PolyPhen-2) suggests that this variant is likely to be tolerated. In summary, the available evidence is currently insufficient to determine the role of this variant in disease. Therefore, it has been classified as a Variant of Uncertain Significance.

NM_004304.5(ALK):c.1057A>G (p.Arg353Gly)

Gene: ALK (ALK receptor tyrosine kinase; minus strand). Cytogenetic location: 2p23.2.
Variant type: single nucleotide variant.
Coding change: c.1057A>G on transcript NM_004304.5 (MANE Select); coding-DNA position 1057, A replaced by G.
Protein change: p.Arg353Gly; replaces arginine 353 with glycine.
Molecular consequence: missense variant.
Genome position (GRCh38, 1-based): chr2:29,532,012, T>C on the plus strand (A>G on the coding strand, the complement: ALK is on the minus strand). VCF-style: chr2-29532012-T-C. GRCh37 (hg19) VCF-style: chr2-29754878-T-C.
Other names: short protein forms R353G.
Identifiers: ClinVar variation 1778879 (VCV001778879.6), dbSNP rs2465284341, ClinGen allele CA346587368.